The following is an entry in ClinVar:

NM_017636.4(TRPM4):c.1669G>A (p.Ala557Thr)

Gene: TRPM4 (transient receptor potential cation channel subfamily M member 4; plus strand). Cytogenetic location: 19q13.33.
Variant type: single nucleotide variant.
Coding change: c.1669G>A on transcript NM_017636.4 (MANE Select); coding-DNA position 1669, G replaced by A.
Protein change: p.Ala557Thr; replaces alanine 557 with threonine.
Molecular consequence: missense variant.
Genome position (GRCh38, 1-based): chr19:49,183,138, G>A. VCF-style: chr19-49183138-G-A. GRCh37 (hg19) VCF-style: chr19-49686395-G-A.
Other names: c.1669G>A, p.Ala557Thr (NM_001195227.2); c.1324G>A, p.Ala442Thr (NM_001321281.2); c.61G>A, p.Ala21Thr (NM_001321282.2); c.1147G>A, p.Ala383Thr (NM_001321283.2); c.607G>A, p.Ala203Thr (NM_001321285.2); short protein forms A203T, A383T, A442T, A557T, A21T.
Identifiers: ClinVar variation 1903634 (VCV001903634.5), dbSNP rs1968061934, ClinGen allele CA406800466.

ClinVar aggregate classification (germline): Uncertain significance (1 of 4 stars; one submission).

Conditions:
Progressive familial heart block type IB (PFHB1B). Identifiers: Orphanet 871, MedGen C1970298, MONDO:0011474, OMIM 604559.

Allele frequency attached by ClinVar (database versions not stated): gnomAD 0.00001.

Submission:

Labcorp Genetics (formerly Invitae), Labcorp
Classification: Uncertain significance for Progressive familial heart block type IB. Last evaluated: 2023-09-12. Review status: criteria provided, single submitter. Criteria: Invitae Variant Classification Sherloc (09022015). Collection method: clinical testing. Allele origin: germline.
Comment: This sequence change replaces alanine, which is neutral and non-polar, with threonine, which is neutral and polar, at codon 557 of the TRPM4 protein (p.Ala557Thr). This variant is not present in population databases (gnomAD no frequency). This variant has not been reported in the literature in individuals affected with TRPM4-related conditions. ClinVar contains an entry for this variant (Variation ID: 1903634). In summary, the available evidence is currently insufficient to determine the role of this variant in disease. Therefore, it has been classified as a Variant of Uncertain Significance. Algorithms developed to predict the effect of missense changes on protein structure and function output the following: SIFT: "Not Available"; PolyPhen-2: "Benign"; Align-GVGD: "Not Available". The threonine amino acid residue is found in multiple mammalian species, which suggests that this missense change does not adversely affect protein function.